The following is an entry in ClinVar:

NM_000810.4(GABRA5):c.1017C>T (p.Ala339=)

Gene: GABRA5 (gamma-aminobutyric acid type A receptor subunit alpha5; plus strand). Cytogenetic location: 15q12.
Variant type: single nucleotide variant.
Coding change: c.1017C>T on transcript NM_000810.4 (MANE Select); coding-DNA position 1017, C replaced by T.
Protein change: p.Ala339=; no amino-acid change (alanine 339 retained).
Molecular consequence: synonymous variant.
Genome position (GRCh38, 1-based): chr15:26,943,354, C>T. VCF-style: chr15-26943354-C-T. GRCh37 (hg19) VCF-style: chr15-27188501-C-T.
Other names: c.1017C>T, p.Ala339= (NM_001165037.2).
Identifiers: ClinVar variation 711949 (VCV000711949.38), dbSNP rs41317330, ClinGen allele CA7438018.

ClinVar aggregate classification (germline): Benign. Review status: criteria provided, multiple submitters, no conflicts (2 of 4 stars). 2 submissions from 2 submitters: Benign (2). Last evaluated 2026-08-01.

Allele frequency attached by ClinVar (database versions not stated): 1000 Genomes Project 0.00280; 1000 Genomes Project 30x 0.00328; ESP Exome Variant Server 0.00503; gnomAD exomes 0.00574 and 0.00767; TOPMed 0.00604; gnomAD 0.00684 and 0.00711; ExAC 0.00991.
gnomAD v4.1: 12,077 of 1,599,360 alleles (0.76%); highest among the groups gnomAD compares: Non-Finnish European, 0.88%; 59 homozygotes.

Submissions (2):

CeGaT Center for Human Genetics Tuebingen
Classification: Benign. Last evaluated: 2026-08-01. Review status: criteria provided, single submitter. Criteria: CeGaT Center For Human Genetics Tuebingen Variant Classification Criteria Version 2. Collection method: clinical testing. Allele origin: germline. Affected: yes. Observed: 66 variant alleles.
Comment: GABRA5: BP4, BP7, BS1, BS2

Labcorp Genetics (formerly Invitae), Labcorp
Classification: Benign. Last evaluated: 2019-12-31. Review status: criteria provided, single submitter. Criteria: Invitae Variant Classification Sherloc (09022015). Collection method: clinical testing. Allele origin: germline.